The following is an entry in ClinVar:

NM_004304.5(ALK):c.1378G>A (p.Asp460Asn)

Gene: ALK (ALK receptor tyrosine kinase; minus strand). Cytogenetic location: 2p23.2.
Variant type: single nucleotide variant.
Coding change: c.1378G>A on transcript NM_004304.5 (MANE Select); coding-DNA position 1378, G replaced by A.
Protein change: p.Asp460Asn; replaces aspartic acid 460 with asparagine.
Molecular consequence: missense variant.
Genome position (GRCh38, 1-based): chr2:29,328,386, C>T on the plus strand (G>A on the coding strand, the complement: ALK is on the minus strand). VCF-style: chr2-29328386-C-T. GRCh37 (hg19) VCF-style: chr2-29551252-C-T.
Other names: short protein forms D460N.
Identifiers: ClinVar variation 1771224 (VCV001771224.8), dbSNP rs1425067580, ClinGen allele CA346474186.

ClinVar aggregate classification (germline): Uncertain significance. Review status: criteria provided, multiple submitters, no conflicts (2 of 4 stars). 2 submissions from 2 submitters: Uncertain significance (2). Last evaluated 2025-01-27.

Conditions:
Neuroblastoma, susceptibility to, 3. Also called: ALK-Related Neuroblastic Tumor Susceptibility. Identifiers: Orphanet 635, MedGen C2751681, MONDO:0013083, OMIM 613014.
Hereditary cancer-predisposing syndrome. Also called: Tumor predisposition; Neoplastic Syndromes, Hereditary; Hereditary Cancer Syndrome; Hereditary neoplastic syndrome. Identifiers: Orphanet 140162, MedGen C0027672, MeSH D009386, MONDO:0015356.

Allele frequency attached by ClinVar (database versions not stated): gnomAD exomes below 0.00001; gnomAD 0.00001.
gnomAD v4.1: 3 of 1,614,084 alleles (0.00019%); highest among the groups gnomAD compares: African/African-American, 0.0027%; no homozygotes.

Submissions (2):

Ambry Genetics
Classification: Uncertain significance for Hereditary cancer-predisposing syndrome. Last evaluated: 2025-01-27. Review status: criteria provided, single submitter. Criteria: Ambry Variant Classification Scheme 2023. Collection method: clinical testing. Allele origin: germline.
Comment: The p.D460N variant (also known as c.1378G>A), located in coding exon 6 of the ALK gene, results from a G to A substitution at nucleotide position 1378. The aspartic acid at codon 460 is replaced by asparagine, an amino acid with highly similar properties. This amino acid position is conserved. In addition, this alteration is predicted to be tolerated by in silico analysis. Since supporting evidence is limited at this time, the clinical significance of this alteration remains unclear.

Labcorp Genetics (formerly Invitae), Labcorp
Classification: Uncertain significance for Neuroblastoma, susceptibility to, 3. Last evaluated: 2023-09-30. Review status: criteria provided, single submitter. Criteria: Invitae Variant Classification Sherloc (09022015). Collection method: clinical testing. Allele origin: germline.
Comment: This sequence change replaces aspartic acid, which is acidic and polar, with asparagine, which is neutral and polar, at codon 460 of the ALK protein (p.Asp460Asn). This variant is present in population databases (no rsID available, gnomAD 0.01%). This variant has not been reported in the literature in individuals affected with ALK-related conditions. ClinVar contains an entry for this variant (Variation ID: 1771224). An algorithm developed to predict the effect of missense changes on protein structure and function (PolyPhen-2) suggests that this variant is likely to be tolerated. In summary, the available evidence is currently insufficient to determine the role of this variant in disease. Therefore, it has been classified as a Variant of Uncertain Significance.